The following is an entry in ClinVar:

ClinVar aggregate classification (germline): Conflicting classifications of pathogenicity. Review status: criteria provided, conflicting classifications (1 of 4 stars). 2 submissions from 2 submitters: Uncertain significance (1); Likely benign (1). Last evaluated 2024-05-16.

Allele frequency attached by ClinVar (database versions not stated): ExAC 0.00002; gnomAD exomes 0.00002.
gnomAD v4.1: 24 of 1,613,644 alleles (0.0015%); highest among the groups gnomAD compares: East Asian, 0.0045%; no homozygotes.

Submissions (2):

Blueprint Genetics
Classification: Likely benign. Last evaluated: 2024-05-16. Review status: criteria provided, single submitter. Criteria: ACMG Guidelines, 2015. Collection method: clinical testing. Allele origin: germline.

Women's Health and Genetics/Laboratory Corporation of America, LabCorp
Classification: Uncertain significance. Last evaluated: 2023-06-07. Review status: criteria provided, single submitter. Criteria: LabCorp Variant Classification Summary - May 2015. Collection method: clinical testing. Allele origin: germline.
Comment: Variant summary: PDE8B c.671C>T (p.Ala224Val) results in a non-conservative amino acid change in the encoded protein sequence. Three of five in-silico tools predict a benign effect of the variant on protein function. The variant allele was found at a frequency of 2.4e-05 in 251266 control chromosomes (gnomAD). The available data on variant occurrences in the general population are insufficient to allow any conclusion about variant significance. To our knowledge, no occurrence of c.671C>T in individuals affected with PDE8B-Related Disorders and no experimental evidence demonstrating its impact on protein function have been reported. No clinical diagnostic laboratories have submitted clinical-significance assessments for this variant to ClinVar after 2014. Based on the evidence outlined above, the variant was classified as uncertain significance.

NM_003719.5(PDE8B):c.671C>T (p.Ala224Val)

Gene: PDE8B (phosphodiesterase 8B; plus strand). Cytogenetic location: 5q13.3.
Variant type: single nucleotide variant.
Coding change: c.671C>T on transcript NM_003719.5 (MANE Select); coding-DNA position 671, C replaced by T.
Protein change: p.Ala224Val; replaces alanine 224 with valine.
Molecular consequence: missense variant.
Genome position (GRCh38, 1-based): chr5:77,331,422, C>T. VCF-style: chr5-77331422-C-T. GRCh37 (hg19) VCF-style: chr5-76627247-C-T.
Other names: c.671C>T, p.Ala224Val (NM_001029851.4, NM_001029852.4, NM_001029854.4 and 2 more transcripts); c.611C>T, p.Ala204Val (NM_001029853.4); c.668C>T, p.Ala223Val (NM_001349748.3, NM_001349751.3, NM_001376065.1); c.734C>T, p.Ala245Val (NM_001349749.3); c.431C>T, p.Ala144Val (NM_001349750.3); c.365C>T, p.Ala122Val (NM_001349752.3, NM_001376071.1); c.299C>T, p.Ala100Val (NM_001349753.2, NM_001376067.1, NM_001376068.1 and 3 more transcripts); c.368C>T, p.Ala123Val (NM_001376062.1, NM_001376070.1, NM_001376072.1 and 1 more transcripts); and 2 more; short protein forms A100V, A103V, A122V, A123V, A143V, A144V, A204V, A223V.
Identifiers: ClinVar variation 2573511 (VCV002573511.2), dbSNP rs751644730, ClinGen allele CA3315014.